The following is an entry in ClinVar:

NM_002185.5(IL7R):c.675C>A (p.Tyr225Ter)

Gene: IL7R (interleukin 7 receptor; plus strand). Cytogenetic location: 5p13.2.
Variant type: single nucleotide variant.
Coding change: c.675C>A on transcript NM_002185.5 (MANE Select); coding-DNA position 675, C replaced by A.
Protein change: p.Tyr225Ter; replaces tyrosine 225 with a stop codon.
Molecular consequence: nonsense.
Genome position (GRCh38, 1-based): chr5:35,873,617, C>A. VCF-style: chr5-35873617-C-A. GRCh37 (hg19) VCF-style: chr5-35873719-C-A.
Other names: short protein forms Y225*.
Identifiers: ClinVar variation 664754 (VCV000664754.7), dbSNP rs1390410878, ClinGen allele CA359431068.

ClinVar aggregate classification (germline): Pathogenic (1 of 4 stars; one submission).

Conditions:
Immunodeficiency 104. Also called: Severe Combined Immune Deficiency, Autosomal Recessive, TCell -Negative, B Cell-Positive, NK Cell-Positive, IL7R-Related; Severe combined immunodeficiency, autosomal recessive, T cell-negative, B cell-positive, NK cell-positive; SCID, AUTOSOMAL RECESSIVE, T CELL-NEGATIVE, B CELL-POSITIVE, NK CELL-POSITIVE; IMMUNODEFICIENCY 104, SEVERE COMBINED. Identifiers: MedGen C5676890, MONDO:0012163, OMIM 608971.

Allele frequency attached by ClinVar (database versions not stated): gnomAD exomes below 0.00001; gnomAD 0.00001; TOPMed 0.00002.
gnomAD v4.1: 3 of 1,613,908 alleles (0.00019%); highest among the groups gnomAD compares: African/African-American, 0.004%; no homozygotes.

Submission:

Labcorp Genetics (formerly Invitae), Labcorp
Classification: Pathogenic for Immunodeficiency 104. Last evaluated: 2024-03-09. Review status: criteria provided, single submitter. Criteria: Invitae Variant Classification Sherloc (09022015). Collection method: clinical testing. Allele origin: germline.
Comment: This sequence change creates a premature translational stop signal (p.Tyr225*) in the IL7R gene. It is expected to result in an absent or disrupted protein product. Loss-of-function variants in IL7R are known to be pathogenic (PMID: 21664875, 26123418). This variant is present in population databases (no rsID available, gnomAD 0.01%). This variant has not been reported in the literature in individuals affected with IL7R-related conditions. ClinVar contains an entry for this variant (Variation ID: 664754). Algorithms developed to predict the effect of sequence changes on RNA splicing suggest that this variant may disrupt the consensus splice site. For these reasons, this variant has been classified as Pathogenic.

Literature cited by the submitters: PubMed 21664875; PubMed 26123418.